The following is an entry in ClinVar:

ClinVar aggregate classification (germline): Uncertain significance. Review status: criteria provided, multiple submitters, no conflicts (2 of 4 stars). 2 submissions from 2 submitters: Uncertain significance (2). Last evaluated 2026-05-27.

Conditions:
Inborn genetic diseases. Identifiers: MedGen C0950123, MeSH D030342.

Allele frequency attached by ClinVar (database versions not stated): gnomAD 0.00002; TOPMed 0.00003; ExAC 0.00001.
gnomAD v4.1: 5 of 1,612,318 alleles (0.00031%); highest among the groups gnomAD compares: Admixed American, 0.0067%; no homozygotes.

Submissions (2):

Ambry Genetics
Classification: Uncertain significance for Inborn genetic diseases. Last evaluated: 2026-05-27. Review status: criteria provided, single submitter. Criteria: Ambry Variant Classification Scheme 2023. Collection method: clinical testing. Allele origin: germline.
Comment: The c.2670G>C (p.K890N) alteration is located in exon 22 (coding exon 21) of the MYO7A gene. This alteration results from a G to C substitution at nucleotide position 2670, causing the lysine (K) at amino acid position 890 to be replaced by an asparagine (N). Based on data from gnomAD, the C allele has an overall frequency of <0.001% (1/246758) total alleles studied. The highest observed frequency was 0.003% (1/34446) of Latino alleles. Based on insufficient or conflicting evidence, the clinical significance of this alteration remains unclear.

Labcorp Genetics (formerly Invitae), Labcorp
Classification: Uncertain significance. Last evaluated: 2022-08-21. Review status: criteria provided, single submitter. Criteria: Invitae Variant Classification Sherloc (09022015). Collection method: clinical testing. Allele origin: germline.
Comment: In summary, the available evidence is currently insufficient to determine the role of this variant in disease. Therefore, it has been classified as a Variant of Uncertain Significance. Advanced modeling of protein sequence and biophysical properties (such as structural, functional, and spatial information, amino acid conservation, physicochemical variation, residue mobility, and thermodynamic stability) performed at Invitae indicates that this missense variant is not expected to disrupt MYO7A protein function. This variant has not been reported in the literature in individuals affected with MYO7A-related conditions. This variant is present in population databases (rs782644623, gnomAD 0.006%). This sequence change replaces lysine, which is basic and polar, with asparagine, which is neutral and polar, at codon 890 of the MYO7A protein (p.Lys890Asn).

NM_000260.4(MYO7A):c.2670G>C (p.Lys890Asn)

Gene: MYO7A (myosin VIIA; plus strand). Cytogenetic location: 11q13.5.
Variant type: single nucleotide variant.
Coding change: c.2670G>C on transcript NM_000260.4 (MANE Select); coding-DNA position 2670, G replaced by C.
Protein change: p.Lys890Asn; replaces lysine 890 with asparagine.
Molecular consequence: missense variant.
Genome position (GRCh38, 1-based): chr11:77,180,457, G>C. VCF-style: chr11-77180457-G-C. GRCh37 (hg19) VCF-style: chr11-76891503-G-C.
Other names: c.2670G>C, p.Lys890Asn (NM_001127180.2); c.2637G>C, p.Lys879Asn (NM_001369365.1); c.2670G>C (NM_000260.3); short protein forms K890N, K879N.
Identifiers: ClinVar variation 2060087 (VCV002060087.5), dbSNP rs782644623, ClinGen allele CA6197893.
Genomic context (GRCh38, chr11:77,180,457, plus strand): 5'-GAAAATGCGGCTGGCGGAGGAAGAGAAGCTTCGGAAGGAGATGAGCGCCAAGAAGGCCAA[G>C]GAGGAGGCCGAGCGCAAGCATCAGGTGAGCTGAGAGCCTCCAGGCACCTTAGGTGTCCAC-3'
Protein context (NP_000251.3, residues 880-900): LRKEMSAKKA[Lys890Asn]EEAERKHQER